The following is an entry in ClinVar:

NM_000308.4(CTSA):c.1073A>C (p.Gln358Pro)

Gene: CTSA (cathepsin A; plus strand). Cytogenetic location: 20q13.12.
Variant type: single nucleotide variant.
Coding change: c.1073A>C on transcript NM_000308.4 (MANE Select); coding-DNA position 1073, A replaced by C.
Protein change: p.Gln358Pro; replaces glutamine 358 with proline.
Molecular consequence: missense variant. On other transcripts: non-coding transcript variant (1).
Genome position (GRCh38, 1-based): chr20:45,895,118, A>C. VCF-style: chr20-45895118-A-C. GRCh37 (hg19) VCF-style: chr20-44523757-A-C.
Other names: c.1073A>C, p.Gln358Pro (NM_001127695.3); c.1022A>C, p.Gln341Pro (NM_001167594.3); c.1127A>C (NM_000308.2); short protein forms Q358P, Q341P.
Identifiers: ClinVar variation 1414040 (VCV001414040.6), dbSNP rs543752177, ClinGen allele CA9883264.

ClinVar aggregate classification (germline): Conflicting classifications of pathogenicity. Review status: criteria provided, conflicting classifications (1 of 4 stars). 2 submissions from 2 submitters: Uncertain significance (1); Likely benign (1). Last evaluated 2025-06-03.

Conditions:
Combined deficiency of sialidase AND beta galactosidase (GSL). Also called: NEURAMINIDASE DEFICIENCY WITH BETA-GALACTOSIDASE DEFICIENCY; NEURAMINIDASE/BETA-GALACTOSIDASE EXPRESSION; PPCA DEFICIENCY; PROTECTIVE PROTEIN/CATHEPSIN A DEFICIENCY; Galactosialidosis; CATHEPSIN A DEFICIENCY. Identifiers: Orphanet 351, MedGen C0268233, MONDO:0009737, OMIM 256540.
Inborn genetic diseases. Identifiers: MedGen C0950123, MeSH D030342.

Allele frequency attached by ClinVar (database versions not stated): ExAC 0.00004; 1000 Genomes Project 0.00020; 1000 Genomes Project 30x 0.00016.
gnomAD v4.1: 27 of 1,614,058 alleles (0.0017%); highest among the groups gnomAD compares: African/African-American, 0.035%; no homozygotes.

Submissions (2):

Ambry Genetics
Classification: Likely benign for Inborn genetic diseases. Last evaluated: 2025-06-03. Review status: criteria provided, single submitter. Criteria: Ambry Variant Classification Scheme 2023. Collection method: clinical testing. Allele origin: germline.

Labcorp Genetics (formerly Invitae), Labcorp
Classification: Uncertain significance for Combined deficiency of sialidase AND beta galactosidase. Last evaluated: 2022-09-08. Review status: criteria provided, single submitter. Criteria: Invitae Variant Classification Sherloc (09022015). Collection method: clinical testing. Allele origin: germline.
Comment: This sequence change replaces glutamine, which is neutral and polar, with proline, which is neutral and non-polar, at codon 376 of the CTSA protein (p.Gln376Pro). This variant is present in population databases (rs543752177, gnomAD 0.04%). This variant has not been reported in the literature in individuals affected with CTSA-related conditions. ClinVar contains an entry for this variant (Variation ID: 1414040). Algorithms developed to predict the effect of missense changes on protein structure and function output the following: SIFT: "Not Available"; PolyPhen-2: "Benign"; Align-GVGD: "Not Available". The proline amino acid residue is found in multiple mammalian species, which suggests that this missense change does not adversely affect protein function. In summary, the available evidence is currently insufficient to determine the role of this variant in disease. Therefore, it has been classified as a Variant of Uncertain Significance.